The following is an entry in ClinVar:

NM_001197104.2(KMT2A):c.6646A>G (p.Met2216Val)

Gene: KMT2A (lysine methyltransferase 2A; plus strand). Cytogenetic location: 11q23.3.
Variant type: single nucleotide variant.
Coding change: c.6646A>G on transcript NM_001197104.2 (MANE Select); coding-DNA position 6646, A replaced by G.
Protein change: p.Met2216Val; replaces methionine 2216 with valine.
Molecular consequence: missense variant.
Genome position (GRCh38, 1-based): chr11:118,502,538, A>G. VCF-style: chr11-118502538-A-G. GRCh37 (hg19) VCF-style: chr11-118373253-A-G.
Other names: c.6736A>G, p.Met2246Val (NM_001412597.1); c.6637A>G, p.Met2213Val (NM_005933.4); short protein forms M2213V, M2216V, M2246V.
Identifiers: ClinVar variation 2084519 (VCV002084519.5), dbSNP rs527501404, ClinGen allele CA6304288.

ClinVar aggregate classification (germline): Conflicting classifications of pathogenicity. Review status: criteria provided, conflicting classifications (1 of 4 stars). 2 submissions from 2 submitters: Uncertain significance (1); Likely benign (1). Last evaluated 2025-07-14.

Conditions:
Inborn genetic diseases. Identifiers: MedGen C0950123, MeSH D030342.

Allele frequency attached by ClinVar (database versions not stated): gnomAD exomes 0.00002; ExAC 0.00006; TOPMed 0.00007; gnomAD 0.00008; 1000 Genomes Project 30x 0.00016; 1000 Genomes Project 0.00020.
gnomAD v4.1: 38 of 1,614,150 alleles (0.0024%); highest among the groups gnomAD compares: African/African-American, 0.017%; no homozygotes.

Submissions (2):

Labcorp Genetics (formerly Invitae), Labcorp
Classification: Uncertain significance. Last evaluated: 2025-07-14. Review status: criteria provided, single submitter. Criteria: Invitae Variant Classification Sherloc (09022015). Collection method: clinical testing. Allele origin: germline.
Comment: This sequence change replaces methionine, which is neutral and non-polar, with valine, which is neutral and non-polar, at codon 2216 of the KMT2A protein (p.Met2216Val). This variant is present in population databases (rs527501404, gnomAD 0.02%). This variant has not been reported in the literature in individuals affected with KMT2A-related conditions. ClinVar contains an entry for this variant (Variation ID: 2084519). Invitae Evidence Modeling of protein sequence and biophysical properties (such as structural, functional, and spatial information, amino acid conservation, physicochemical variation, residue mobility, and thermodynamic stability) indicates that this missense variant is not expected to disrupt KMT2A protein function with a negative predictive value of 95%. In summary, the available evidence is currently insufficient to determine the role of this variant in disease. Therefore, it has been classified as a Variant of Uncertain Significance.

Ambry Genetics
Classification: Likely benign for Inborn genetic diseases. Last evaluated: 2022-09-14. Review status: criteria provided, single submitter. Criteria: Ambry Variant Classification Scheme 2023. Collection method: clinical testing. Allele origin: germline.